The following is an entry in ClinVar:

NM_017755.6(NSUN2):c.1227-16AT[7]

Gene: NSUN2 (NOP2/Sun RNA methyltransferase 2; minus strand). Cytogenetic location: 5p15.31.
Variant type: Microsatellite.
Coding change: c.1227-16AT[7] on transcript NM_017755.6 (MANE Select); seven copies in a row of the 2-base unit AT starting at c.1227-16; the reference has six copies in a row; one copy, 2 bases duplicated.
Molecular consequence: intron variant.
Genome position (GRCh38, 1-based): chr5:6,609,927-6,609,928, AT duplicated on the plus strand (AT on the coding strand, the reverse complement: NSUN2 is on the minus strand); duplicating any 2 consecutive bases within chr5:6,609,927-6,609,939 gives the same sequence; the position shown is the placement nearest the transcript's 3' end. VCF-style (leftmost placement, unchanged base first): chr5-6609926-A-AAT. GRCh37 (hg19) VCF-style: chr5-6610039-A-AAT.
Other names: c.1122-16AT[7] (NM_001193455.2).
Identifiers: ClinVar variation 731353 (VCV000731353.10), dbSNP rs759187844, ClinGen allele CA3192491.

ClinVar aggregate classification (germline): Conflicting classifications of pathogenicity. Review status: criteria provided, conflicting classifications (1 of 4 stars). 3 submissions from 3 submitters: Uncertain significance (1); Likely benign (2). Last evaluated 2025-03-13.

Submissions (3):

Labcorp Genetics (formerly Invitae), Labcorp
Classification: Likely benign. Last evaluated: 2025-03-13. Review status: criteria provided, single submitter. Criteria: Invitae Variant Classification Sherloc (09022015). Collection method: clinical testing. Allele origin: germline.

GeneDx
Classification: Uncertain significance. Last evaluated: 2024-12-26. Review status: criteria provided, single submitter. Criteria: GeneDx Variant Classification Process June 2021. Collection method: clinical testing. Allele origin: germline. Affected: yes.
Comment: Located in a region that tolerates variation and lacks pathogenic variants; Has not been previously published as pathogenic or benign to our knowledge; In silico analysis is inconclusive as to whether the variant alters gene splicing. In the absence of RNA/functional studies, the actual effect of this sequence change is unknown

Blueprint Genetics
Classification: Likely benign. Last evaluated: 2024-11-26. Review status: criteria provided, single submitter. Criteria: ACMG Guidelines, 2015. Collection method: clinical testing. Allele origin: germline.